The following is an entry in ClinVar:

ClinVar aggregate classification (germline): Conflicting classifications of pathogenicity. Review status: criteria provided, conflicting classifications (1 of 4 stars). 2 submissions from 2 submitters: Uncertain significance (1); Benign (1). Last evaluated 2024-12-24.

Conditions:
Amyotrophic lateral sclerosis type 1 (ALS1). Also called: AMYOTROPHIC LATERAL SCLEROSIS 1, FAMILIAL. Identifiers: Orphanet 803, MedGen C1862939, MONDO:0007103, OMIM 105400.
Perry syndrome. Also called: PARKINSONISM WITH ALVEOLAR HYPOVENTILATION AND MENTAL DEPRESSION. Identifiers: Orphanet 178509, MedGen C1868594, MONDO:0008201, OMIM 168605.
Neuronopathy, distal hereditary motor, type 7B. Also called: Distal Hereditary Motor Neuronopathy Type 7B (dHMN7B); HMN VIIB; LOWER MOTOR NEURON DISEASE, DYNACTIN TYPE; NEURONOPATHY, DISTAL HEREDITARY MOTOR, AUTOSOMAL DOMINANT 14; NEURONOPATHY, DISTAL HEREDITARY MOTOR, HARDING TYPE VIIB; NEUROPATHY, DISTAL HEREDITARY MOTOR, HARDING TYPE VIIB. Identifiers: Orphanet 139589, MedGen C1843315, MONDO:0011879, OMIM 607641.
Amyotrophic lateral sclerosis (ALS). Also called: Charcot disease; Lou Gehrig disease. Identifiers: Orphanet 803, MedGen C0002736, MONDO:0004976, HP:0007354.

Allele frequency attached by ClinVar (database versions not stated): gnomAD 0.00001; gnomAD exomes 0.00001 and 0.00002; TOPMed 0.00002; ExAC 0.00003.
gnomAD v4.1: 17 of 1,613,502 alleles (0.0011%); highest among the groups gnomAD compares: Admixed American, 0.005%; no homozygotes.

Submissions (2):

Labcorp Genetics (formerly Invitae), Labcorp
Classification: Uncertain significance for Amyotrophic lateral sclerosis type 1; Neuronopathy, distal hereditary motor, type 7B; Perry syndrome. Last evaluated: 2024-12-24. Review status: criteria provided, single submitter. Criteria: Invitae Variant Classification Sherloc (09022015). Collection method: clinical testing. Allele origin: germline.
Comment: This sequence change replaces arginine, which is basic and polar, with cysteine, which is neutral and slightly polar, at codon 32 of the DCTN1 protein (p.Arg32Cys). This variant is present in population databases (rs751177222, gnomAD 0.009%). This missense change has been observed in individual(s) with amyotrophic lateral sclerosis (PMID: 32579787). ClinVar contains an entry for this variant (Variation ID: 873286). Invitae Evidence Modeling of protein sequence and biophysical properties (such as structural, functional, and spatial information, amino acid conservation, physicochemical variation, residue mobility, and thermodynamic stability) has been performed for this missense variant. However, the output from this modeling did not meet the statistical confidence thresholds required to predict the impact of this variant on DCTN1 protein function. In summary, the available evidence is currently insufficient to determine the role of this variant in disease. Therefore, it has been classified as a Variant of Uncertain Significance.

Suna and Inan Kirac Foundation Neurodegeneration Research Laboratory, Koc University
Classification: Benign for Amyotrophic lateral sclerosis. Last evaluated: 2020-03-31. Review status: criteria provided, single submitter. Criteria: ACMG Guidelines, 2015. Collection method: research. Allele origin: germline. Affected: yes. Observed: 1 variant allele.

Literature cited by the submitters: PubMed 32579787 (cited by Labcorp Genetics (formerly Invitae), Labcorp).

NM_004082.5(DCTN1):c.94C>T (p.Arg32Cys)

Gene: DCTN1 (dynactin subunit 1; minus strand). Cytogenetic location: 2p13.1.
Variant type: single nucleotide variant.
Coding change: c.94C>T on transcript NM_004082.5 (MANE Select); coding-DNA position 94, C replaced by T.
Protein change: p.Arg32Cys; replaces arginine 32 with cysteine.
Molecular consequence: missense variant. On other transcripts: non-coding transcript variant (1).
Genome position (GRCh38, 1-based): chr2:74,378,185, G>A on the plus strand (C>T on the coding strand, the complement: DCTN1 is on the minus strand). VCF-style: chr2-74378185-G-A. GRCh37 (hg19) VCF-style: chr2-74605312-G-A.
Other names: c.94C>T, p.Arg32Cys (NM_001135040.3, NM_001190837.2); c.43C>T, p.Arg15Cys (NM_001190836.2, NM_001378991.1, NM_001378992.1); short protein forms R15C, R32C.
Identifiers: ClinVar variation 873286 (VCV000873286.9), dbSNP rs751177222, ClinGen allele CA1722603.